The following is an entry in ClinVar:

NM_000274.4(OAT):c.162C>A (p.Asn54Lys)

Gene: OAT (ornithine aminotransferase; minus strand). Cytogenetic location: 10q26.13.
Variant type: single nucleotide variant.
Coding change: c.162C>A on transcript NM_000274.4 (MANE Select); coding-DNA position 162, C replaced by A.
Protein change: p.Asn54Lys; replaces asparagine 54 with lysine.
Molecular consequence: missense variant. On other transcripts: intron variant (2).
Genome position (GRCh38, 1-based): chr10:124,412,010, G>T on the plus strand (C>A on the coding strand, the complement: OAT is on the minus strand). VCF-style: chr10-124412010-G-T. GRCh37 (hg19) VCF-style: chr10-126100579-G-T.
Other names: c.162C>A, p.Asn54Lys (NM_001322965.2, NM_001322966.2, NM_001322967.2 and 4 more transcripts); c.-215-3045C>A (NM_001171814.2); c.-515-3045C>A (NM_001322974.2); short protein forms N54K.
Identifiers: ClinVar variation 163 (VCV000000163.5), dbSNP rs121965048, ClinGen allele CA113962.

ClinVar aggregate classification (germline): Conflicting classifications of pathogenicity. Review status: criteria provided, conflicting classifications (1 of 4 stars). 5 submissions from 5 submitters: Likely pathogenic (2); Uncertain significance (2). 1 of the submissions does not count toward it. Last evaluated 2025-06-23.

Conditions:
OAT-related disorder. Also called: OAT-related condition.
Ornithine aminotransferase deficiency (GACR). Also called: OAT DEFICIENCY; OKT DEFICIENCY; Ornithine ketoacid aminotransferase deficiency; Gyrate atrophy; Gyrate atrophy of choroid and retina; Girate atrophy of the retina. Identifiers: Orphanet 414, MedGen C0018425, MONDO:0009796, OMIM 258870.

Allele frequency attached by ClinVar (database versions not stated): gnomAD exomes below 0.00001 and 0.00001; gnomAD 0.00001; TOPMed 0.00001; ExAC 0.00002.
gnomAD v4.1: 6 of 1,614,086 alleles (0.00037%); highest among the groups gnomAD compares: Non-Finnish European, 0.00051%; no homozygotes.

Submissions (5):

Women's Health and Genetics/Laboratory Corporation of America, LabCorp
Classification: Uncertain significance. Last evaluated: 2025-06-23. Review status: criteria provided, single submitter. Criteria: LabCorp Variant Classification Summary - May 2015. Collection method: clinical testing. Allele origin: germline.
Comment: Variant summary: OAT c.162C>A (p.Asn54Lys) results in a non-conservative amino acid change in the encoded protein sequence. Algorithms developed to predict the effect of missense changes on protein structure and function all suggest that this variant is likely to be disruptive. The variant allele was found at a frequency of 1.2e-05 in 251486 control chromosomes. c.162C>A has been observed in individual(s) affected with Ornithine Aminotransferase Deficiency (Ramesh_1988). These report(s) do not provide unequivocal conclusions about association of the variant with Ornithine Aminotransferase Deficiency. At least one publication reports experimental evidence evaluating an impact on protein function (Ramesh_1988). The most pronounced variant effect results in <10% of normal ornithine aminotransferase activity. ClinVar contains an entry for this variant (Variation ID: 163). Based on the evidence outlined above, the variant was classified as VUS-possibly pathogenic.

Baylor Genetics
Classification: Likely pathogenic for Ornithine aminotransferase deficiency. Last evaluated: 2023-04-13. Review status: criteria provided, single submitter. Criteria: ACMG Guidelines, 2015. Collection method: clinical testing. Allele origin: unknown.

Labcorp Genetics (formerly Invitae), Labcorp
Classification: Uncertain significance for Ornithine aminotransferase deficiency. Last evaluated: 2022-06-20. Review status: criteria provided, single submitter. Criteria: Invitae Variant Classification Sherloc (09022015). Collection method: clinical testing. Allele origin: germline.
Comment: This sequence change replaces asparagine, which is neutral and polar, with lysine, which is basic and polar, at codon 54 of the OAT protein (p.Asn54Lys). This variant is present in population databases (rs121965048, gnomAD 0.003%). This missense change has been observed in individual(s) with gyrate atrophy (PMID: 3375240). ClinVar contains an entry for this variant (Variation ID: 163). Algorithms developed to predict the effect of missense changes on protein structure and function (SIFT, PolyPhen-2, Align-GVGD) all suggest that this variant is likely to be disruptive. Experimental studies have shown that this missense change affects OAT function (PMID: 3375240). In summary, the available evidence is currently insufficient to determine the role of this variant in disease. Therefore, it has been classified as a Variant of Uncertain Significance.

Blueprint Genetics
Classification: Likely pathogenic for OAT-related disorders. Last evaluated: 2021-10-18. Review status: criteria provided, single submitter. Criteria: ACMG Guidelines, 2015. Collection method: clinical testing. Allele origin: germline. Affected: yes. Observed: 2 variant alleles.

OMIM
Classification: Pathogenic for GYRATE ATROPHY OF CHOROID AND RETINA. Last evaluated: 1988-06-01. Review status: no assertion criteria provided. Collection method: literature only. Allele origin: germline. Not counted in ClinVar's aggregate classification.

Literature cited by the submitters: PubMed 3375240 (cited by 3 submitters).